The following is an entry in ClinVar:

NM_020778.5(ALPK3):c.2941G>A (p.Glu981Lys)

Gene: ALPK3 (alpha kinase 3; plus strand). Cytogenetic location: 15q25.3.
Variant type: single nucleotide variant.
Coding change: c.2941G>A on transcript NM_020778.5 (MANE Select); coding-DNA position 2941, G replaced by A.
Protein change: p.Glu981Lys; replaces glutamic acid 981 with lysine.
Molecular consequence: missense variant.
Genome position (GRCh38, 1-based): chr15:84,857,679, G>A. VCF-style: chr15-84857679-G-A. GRCh37 (hg19) VCF-style: chr15-85400910-G-A.
Other names: short protein forms E981K.
Identifiers: ClinVar variation 2847430 (VCV002847430.3), dbSNP rs2505721018, ClinGen allele CA393359287.

ClinVar aggregate classification (germline): Uncertain significance (1 of 4 stars; one submission).

Submission:

Labcorp Genetics (formerly Invitae), Labcorp
Classification: Uncertain significance. Last evaluated: 2023-03-19. Review status: criteria provided, single submitter. Criteria: Invitae Variant Classification Sherloc (09022015). Collection method: clinical testing. Allele origin: germline.
Comment: This sequence change replaces glutamic acid, which is acidic and polar, with lysine, which is basic and polar, at codon 1183 of the ALPK3 protein (p.Glu1183Lys). This variant is not present in population databases (gnomAD no frequency). This variant has not been reported in the literature in individuals affected with ALPK3-related conditions. Algorithms developed to predict the effect of missense changes on protein structure and function output the following: SIFT: "Not Available"; PolyPhen-2: "Benign"; Align-GVGD: "Not Available". The lysine amino acid residue is found in multiple mammalian species, which suggests that this missense change does not adversely affect protein function. In summary, the available evidence is currently insufficient to determine the role of this variant in disease. Therefore, it has been classified as a Variant of Uncertain Significance.